The following is an entry in ClinVar:

NM_000215.4(JAK3):c.1389C>A (p.His463Gln)

Gene: JAK3 (Janus kinase 3; minus strand). Cytogenetic location: 19p13.11.
Variant type: single nucleotide variant.
Coding change: c.1389C>A on transcript NM_000215.4 (MANE Select); coding-DNA position 1389, C replaced by A.
Protein change: p.His463Gln; replaces histidine 463 with glutamine.
Molecular consequence: missense variant.
Genome position (GRCh38, 1-based): chr19:17,839,529, G>T on the plus strand (C>A on the coding strand, the complement: JAK3 is on the minus strand). VCF-style: chr19-17839529-G-T. GRCh37 (hg19) VCF-style: chr19-17950338-G-T.
Other names: short protein forms H463Q.
Identifiers: ClinVar variation 1022314 (VCV001022314.4), dbSNP rs201132330, ClinGen allele CA9301912.
Genomic context (GRCh38, chr19:17,839,529, plus strand): 5'-GGGCTCACCTTTGGGTCTGGGGATACAGCAGGAAGTGAGGGTCACTGCCACCCCATCTAC[G>T]TGCAGCCCCCCATCCCAGCAGGTTGCCAGGAGCTCTCGAAGACTGCTGTGGGGTCGGCTG-3'
Protein context (NP_000206.2, residues 453-473): LLATCWDGGL[His463Gln]VDGVAVTLTS

ClinVar aggregate classification (germline): Uncertain significance (1 of 4 stars; one submission).

Conditions:
T-B+ severe combined immunodeficiency due to JAK3 deficiency. Also called: SCID, autosomal recessive, T-negative/B-positive type; SCID, T CELL-NEGATIVE, B CELL-POSITIVE, NK CELL-NEGATIVE. Identifiers: Orphanet 35078, MedGen C1833275, MONDO:0010938, OMIM 600802.

Allele frequency attached by ClinVar (database versions not stated): TOPMed 0.00001.
gnomAD v4.1: 41 of 1,601,396 alleles (0.0026%); highest among the groups gnomAD compares: Non-Finnish European, 0.0031%; no homozygotes.

Submission:

Labcorp Genetics (formerly Invitae), Labcorp
Classification: Uncertain significance for T-B+ severe combined immunodeficiency due to JAK3 deficiency. Last evaluated: 2022-04-13. Review status: criteria provided, single submitter. Criteria: Invitae Variant Classification Sherloc (09022015). Collection method: clinical testing. Allele origin: germline.
Comment: This sequence change replaces histidine, which is basic and polar, with glutamine, which is neutral and polar, at codon 463 of the JAK3 protein (p.His463Gln). This variant is present in population databases (rs201132330, gnomAD 0.009%). This variant has not been reported in the literature in individuals affected with JAK3-related conditions. ClinVar contains an entry for this variant (Variation ID: 1022314). Advanced modeling of protein sequence and biophysical properties (such as structural, functional, and spatial information, amino acid conservation, physicochemical variation, residue mobility, and thermodynamic stability) performed at Invitae indicates that this missense variant is not expected to disrupt JAK3 protein function. In summary, the available evidence is currently insufficient to determine the role of this variant in disease. Therefore, it has been classified as a Variant of Uncertain Significance.